The following is an entry in ClinVar:

NM_005732.4(RAD50):c.488A>C (p.Asn163Thr)

Gene: RAD50 (RAD50 double strand break repair protein; plus strand). Cytogenetic location: 5q31.1.
Variant type: single nucleotide variant.
Coding change: c.488A>C on transcript NM_005732.4 (MANE Select); coding-DNA position 488, A replaced by C.
Protein change: p.Asn163Thr; replaces asparagine 163 with threonine.
Molecular consequence: missense variant.
Genome position (GRCh38, 1-based): chr5:132,579,439, A>C. VCF-style: chr5-132579439-A-C. GRCh37 (hg19) VCF-style: chr5-131915131-A-C.
Other names: short protein forms N163T.
Identifiers: ClinVar variation 4842939 (VCV004842939.1).

ClinVar aggregate classification (germline): Uncertain significance (1 of 4 stars; one submission).

Conditions:
Hereditary cancer-predisposing syndrome. Also called: Neoplastic Syndromes, Hereditary; Tumor predisposition; Hereditary Cancer Syndrome; Hereditary neoplastic syndrome. Identifiers: Orphanet 140162, MedGen C0027672, MeSH D009386, MONDO:0015356.

Submission:

Ambry Genetics
Classification: Uncertain significance for Hereditary cancer-predisposing syndrome. Last evaluated: 2025-12-23. Review status: criteria provided, single submitter. Criteria: Ambry Variant Classification Scheme 2023. Collection method: clinical testing. Allele origin: germline.
Comment: The p.N163T variant (also known as c.488A>C), located in coding exon 4 of the RAD50 gene, results from an A to C substitution at nucleotide position 488. The asparagine at codon 163 is replaced by threonine, an amino acid with similar properties. This amino acid position is conserved. In addition, this alteration is predicted to be tolerated by in silico analysis. Based on the available evidence, the clinical significance of this variant remains unclear.